The following is an entry in ClinVar:

NM_000138.5(FBN1):c.7693T>C (p.Cys2565Arg)

Gene: FBN1 (fibrillin 1; minus strand). Cytogenetic location: 15q21.1.
Variant type: single nucleotide variant.
Coding change: c.7693T>C on transcript NM_000138.5 (MANE Select); coding-DNA position 7693, T replaced by C.
Protein change: p.Cys2565Arg; replaces cysteine 2565 with arginine.
Molecular consequence: missense variant.
Genome position (GRCh38, 1-based): chr15:48,421,564, A>G on the plus strand (T>C on the coding strand, the complement: FBN1 is on the minus strand). VCF-style: chr15-48421564-A-G. GRCh37 (hg19) VCF-style: chr15-48713761-A-G.
Other names: c.7693T>C, p.Cys2565Arg (NM_001406716.1); short protein forms C2565R.
Identifiers: ClinVar variation 2941537 (VCV002941537.3), dbSNP rs2505397585, ClinGen allele CA392324933.

ClinVar aggregate classification (germline): Pathogenic (1 of 4 stars; one submission).

Conditions:
Marfan syndrome (MFS). Also called: MARFAN SYNDROME, TYPE I; Marfan syndrome type 1; Marfan's syndrome; Marfan syndrome, classic; FBN1-Related Marfan Syndrome. Identifiers: Orphanet 284963, Orphanet 558, MedGen C0024796, MONDO:0007947, OMIM 154700.
Familial thoracic aortic aneurysm and aortic dissection (TAAD). Also called: Thoracic aortic aneurysms and dissections. Identifiers: Orphanet 91387, MedGen C4707243, MONDO:0019625.

Submission:

Labcorp Genetics (formerly Invitae), Labcorp
Classification: Pathogenic for Marfan syndrome; Familial thoracic aortic aneurysm and aortic dissection. Last evaluated: 2022-11-14. Review status: criteria provided, single submitter. Criteria: Invitae Variant Classification Sherloc (09022015). Collection method: clinical testing. Allele origin: germline.
Comment: For these reasons, this variant has been classified as Pathogenic. This variant disrupts the p.Cys2565 amino acid residue in FBN1. Other variant(s) that disrupt this residue have been observed in individuals with FBN1-related conditions (PMID: 25652356, 27906200, 30675029), which suggests that this may be a clinically significant amino acid residue. This variant affects a cysteine residue in the EGF-like, TGFBP or hybrid motif domains of FBN1. Cysteine residues are believed to be involved in intramolecular disulfide bridges and have been shown to be important for FBN1 protein structure (PMID: 16905551, 19349279). In addition, missense substitutions affecting cysteine residues within these domains are significantly overrepresented among patients with Marfan syndrome (PMID: 16571647, 17701892). Advanced modeling of protein sequence and biophysical properties (such as structural, functional, and spatial information, amino acid conservation, physicochemical variation, residue mobility, and thermodynamic stability) performed at Invitae indicates that this missense variant is expected to disrupt FBN1 protein function. This sequence change replaces cysteine, which is neutral and slightly polar, with arginine, which is basic and polar, at codon 2565 of the FBN1 protein (p.Cys2565Arg). This variant has not been reported in the literature in individuals affected with FBN1-related conditions. This variant is not present in population databases (gnomAD no frequency).

Literature cited by the submitters: PubMed 25652356; PubMed 27906200; PubMed 30675029; PubMed 16905551; PubMed 19349279; PubMed 16571647; PubMed 17701892.